The following is an entry in ClinVar:

NM_153676.4(USH1C):c.629A>C (p.Lys210Thr)

Gene: USH1C (USH1 protein network component harmonin; minus strand). Cytogenetic location: 11p15.1.
Variant type: single nucleotide variant.
Coding change: c.629A>C on transcript NM_153676.4 (MANE Select); coding-DNA position 629, A replaced by C.
Protein change: p.Lys210Thr; replaces lysine 210 with threonine.
Molecular consequence: missense variant. On other transcripts: non-coding transcript variant (1).
Genome position (GRCh38, 1-based): chr11:17,526,392, T>G on the plus strand (A>C on the coding strand, the complement: USH1C is on the minus strand). VCF-style: chr11-17526392-T-G. GRCh37 (hg19) VCF-style: chr11-17547939-T-G.
Other names: c.629A>C, p.Lys210Thr (NM_001297764.2, NM_005709.4); short protein forms K210T.
Identifiers: ClinVar variation 166393 (VCV000166393.10), dbSNP rs372789934, ClinGen allele CA179491.

ClinVar aggregate classification (germline): Uncertain significance. Review status: criteria provided, multiple submitters, no conflicts (2 of 4 stars). 4 submissions from 4 submitters: Uncertain significance (2). 2 of the submissions do not count toward it. Last evaluated 2022-08-09.

Conditions:
Autosomal recessive nonsyndromic hearing loss 18A. Also called: Deafness, autosomal recessive 18A; DEAFNESS, AUTOSOMAL RECESSIVE 18. Identifiers: Orphanet 90636, MedGen C1865870, MONDO:0011192, OMIM 602092.
Usher syndrome type 1C. Also called: USHER SYNDROME, TYPE I, ACADIAN VARIETY. Identifiers: Orphanet 231169, Orphanet 886, MedGen C1848604, MONDO:0010171, OMIM 276904.

Allele frequency attached by ClinVar (database versions not stated): gnomAD 0.00001; gnomAD exomes 0.00001 and 0.00004; TOPMed 0.00001; ExAC 0.00002; ESP Exome Variant Server 0.00008.
gnomAD v4.1: 66 of 1,614,030 alleles (0.0041%); highest among the groups gnomAD compares: Non-Finnish European, 0.0053%; no homozygotes.

Submissions (4):

Labcorp Genetics (formerly Invitae), Labcorp
Classification: Uncertain significance. Last evaluated: 2022-08-09. Review status: criteria provided, single submitter. Criteria: Invitae Variant Classification Sherloc (09022015). Collection method: clinical testing. Allele origin: germline.
Comment: This sequence change replaces lysine, which is basic and polar, with threonine, which is neutral and polar, at codon 210 of the USH1C protein (p.Lys210Thr). This variant is present in population databases (rs372789934, gnomAD 0.004%). This variant has not been reported in the literature in individuals affected with USH1C-related conditions. ClinVar contains an entry for this variant (Variation ID: 166393). Algorithms developed to predict the effect of missense changes on protein structure and function are either unavailable or do not agree on the potential impact of this missense change (SIFT: "Deleterious"; PolyPhen-2: "Possibly Damaging"; Align-GVGD: "Class C0"). In summary, the available evidence is currently insufficient to determine the role of this variant in disease. Therefore, it has been classified as a Variant of Uncertain Significance.

Laboratory for Molecular Medicine, Mass General Brigham Personalized Medicine
Classification: Uncertain significance. Last evaluated: 2016-05-21. Review status: criteria provided, single submitter. Criteria: LMM Criteria. Collection method: clinical testing. Allele origin: germline. Observed: 1 variant allele.
Comment: The p.Lys210Thr variant in USH1C has not been previously reported in individuals with hearing loss or Usher syndrome. This variant has been identified in 2/6620 6 European chromosomes by the Exome Aggregation Consortium (ExAC; dbSNP rs372789934). Computational prediction tools and conserv ation analyses suggest that this variant may impact the protein, though this inf ormation is not predictive enough to determine pathogenicity. In summary, the cl inical significance of the p.Lys210Thr variant is uncertain.

Natera, Inc.
Classification: Uncertain significance for Usher syndrome type 1C. Last evaluated: 2020-03-09. Review status: no assertion criteria provided. Collection method: clinical testing. Allele origin: germline. Not counted in ClinVar's aggregate classification.

Counsyl
Classification: Uncertain significance for Usher syndrome type 1C; Autosomal recessive nonsyndromic hearing loss 18A. Last evaluated: 2018-05-22. Review status: no assertion criteria provided. Collection method: clinical testing. Allele origin: unknown. Not counted in ClinVar's aggregate classification.